The following is an entry in ClinVar:

ClinVar aggregate classification (germline): Uncertain significance (1 of 4 stars; one submission).

gnomAD v4.1: 7 of 1,613,190 alleles (0.00043%); highest among the groups gnomAD compares: Non-Finnish European, 0.00059%; no homozygotes.

Submission:

Labcorp Genetics (formerly Invitae), Labcorp
Classification: Uncertain significance. Last evaluated: 2025-06-22. Review status: criteria provided, single submitter. Criteria: Invitae Variant Classification Sherloc (09022015). Collection method: clinical testing. Allele origin: germline.
Comment: This sequence change replaces glutamine, which is neutral and polar, with proline, which is neutral and non-polar, at codon 760 of the ABL1 protein (p.Gln760Pro). This variant is not present in population databases (gnomAD no frequency). This variant has not been reported in the literature in individuals affected with ABL1-related conditions. ClinVar contains an entry for this variant (Variation ID: 3635937). Invitae Evidence Modeling of protein sequence and biophysical properties (such as structural, functional, and spatial information, amino acid conservation, physicochemical variation, residue mobility, and thermodynamic stability) indicates that this missense variant is not expected to disrupt ABL1 protein function with a negative predictive value of 95%. In summary, the available evidence is currently insufficient to determine the role of this variant in disease. Therefore, it has been classified as a Variant of Uncertain Significance.

NM_005157.6(ABL1):c.2222A>C (p.Gln741Pro)

Gene: ABL1 (ABL proto-oncogene 1, non-receptor tyrosine kinase; plus strand). Cytogenetic location: 9q34.12.
Variant type: single nucleotide variant.
Coding change: c.2222A>C on transcript NM_005157.6 (MANE Select); coding-DNA position 2222, A replaced by C.
Protein change: p.Gln741Pro; replaces glutamine 741 with proline.
Molecular consequence: missense variant.
Genome position (GRCh38, 1-based): chr9:130,884,512, A>C. VCF-style: chr9-130884512-A-C. GRCh37 (hg19) VCF-style: chr9-133759899-A-C.
Other names: c.2279A>C, p.Gln760Pro (NM_007313.3); short protein forms Q741P, Q760P.
Identifiers: ClinVar variation 3635937 (VCV003635937.2).